The following is an entry in ClinVar:

ClinVar aggregate classification (germline): Conflicting classifications of pathogenicity. Review status: criteria provided, conflicting classifications (1 of 4 stars). 4 submissions from 4 submitters: Uncertain significance (2); Likely benign (2). Last evaluated 2024-01-04.

Conditions:
Neuromuscular disease caused by qualitative or quantitative defects of dysferlin. Also called: Dysferlinopathy; Qualitative or quantitative defects of dysferlin. Identifiers: Orphanet 207073, MedGen C2931687, MONDO:0016145.

Allele frequency attached by ClinVar (database versions not stated): gnomAD exomes below 0.00001; ExAC 0.00001.
gnomAD v4.1: 1 of 1,614,190 alleles (0.000062%); highest among the groups gnomAD compares: Non-Finnish European, 0.000085%; no homozygotes.

Submissions (4):

Labcorp Genetics (formerly Invitae), Labcorp
Classification: Likely benign for Neuromuscular disease caused by qualitative or quantitative defects of dysferlin. Last evaluated: 2024-01-04. Review status: criteria provided, single submitter. Criteria: Invitae Variant Classification Sherloc (09022015). Collection method: clinical testing. Allele origin: germline.

Illumina Laboratory Services, Illumina
Classification: Uncertain significance for Qualitative or quantitative defects of dysferlin. Last evaluated: 2018-01-12. Review status: criteria provided, single submitter. Criteria: ICSL Variant Classification Criteria 13 December 2019. Collection method: clinical testing. Allele origin: germline.

Eurofins Ntd Llc (ga)
Classification: Uncertain significance. Last evaluated: 2017-04-24. Review status: criteria provided, single submitter. Criteria: EGL Classification Definitions 2015. Collection method: clinical testing. Allele origin: germline. Observed: 1 variant allele, 1 heterozygote.

GeneDx
Classification: Likely benign. Last evaluated: 2017-04-13. Review status: criteria provided, single submitter. Criteria: GeneDx Variant Classification (06012015). Collection method: clinical testing. Allele origin: germline. Affected: yes.
Comment: This variant is considered likely benign or benign based on one or more of the following criteria: it is a conservative change, it occurs at a poorly conserved position in the protein, it is predicted to be benign by multiple in silico algorithms, and/or has population frequency not consistent with disease.

NM_003494.4(DYSF):c.4C>T (p.Leu2=)

Gene: DYSF (dysferlin; plus strand). Cytogenetic location: 2p13.2.
Variant type: single nucleotide variant.
Coding change: c.4C>T on transcript NM_003494.4 (MANE Plus Clinical); coding-DNA position 4, C replaced by T.
Protein change: p.Leu2=; no amino-acid change (leucine 2 retained).
Molecular consequence: synonymous variant.
Genome position (GRCh38, 1-based): chr2:71,454,002, C>T. VCF-style: chr2-71454002-C-T. GRCh37 (hg19) VCF-style: chr2-71681132-C-T.
Other names: c.4C>T, p.Leu2= (NM_001130976.2, NM_001130977.2, NM_001130978.2 and 3 more transcripts).
Identifiers: ClinVar variation 501480 (VCV000501480.16), dbSNP rs772536111, ClinGen allele CA1705168.